The following is an entry in ClinVar:

ClinVar aggregate classification (germline): Pathogenic. Review status: criteria provided, multiple submitters, no conflicts (2 of 4 stars). 2 submissions from 2 submitters: Pathogenic (2). Last evaluated 2023-06-18.

Conditions:
Developmental and epileptic encephalopathy 94 (DEE94). Also called: Epileptic encephalopathy, childhood-onset; CHD2-Related Neurodevelopmental Disorders. Identifiers: Orphanet 1942, Orphanet 2382, MedGen C3809278, MONDO:0014150, OMIM 615369.

Submissions (2):

Labcorp Genetics (formerly Invitae), Labcorp
Classification: Pathogenic for Developmental and epileptic encephalopathy 94. Last evaluated: 2023-06-18. Review status: criteria provided, single submitter. Criteria: Invitae Variant Classification Sherloc (09022015). Collection method: clinical testing. Allele origin: germline.
Comment: For these reasons, this variant has been classified as Pathogenic. ClinVar contains an entry for this variant (Variation ID: 992838). This variant has not been reported in the literature in individuals affected with CHD2-related conditions. This variant is not present in population databases (gnomAD no frequency). This sequence change creates a premature translational stop signal (p.Gln366*) in the CHD2 gene. It is expected to result in an absent or disrupted protein product. Loss-of-function variants in CHD2 are known to be pathogenic (PMID: 23708187, 24207121).

Laboratoire de Génétique Moléculaire, CHU Bordeaux
Classification: Pathogenic. Review status: criteria provided, single submitter. Criteria: ACMG Guidelines, 2015. Collection method: clinical testing. Allele origin: germline. Affected: yes.

Literature cited by the submitters: PubMed 23708187 (cited by Labcorp Genetics (formerly Invitae), Labcorp); PubMed 24207121 (cited by Labcorp Genetics (formerly Invitae), Labcorp).

NM_001271.4(CHD2):c.1096C>T (p.Gln366Ter)

Gene: CHD2 (chromodomain helicase DNA binding protein 2; plus strand). Cytogenetic location: 15q26.1.
Variant type: single nucleotide variant.
Coding change: c.1096C>T on transcript NM_001271.4 (MANE Select); coding-DNA position 1096, C replaced by T.
Protein change: p.Gln366Ter; replaces glutamine 366 with a stop codon.
Molecular consequence: nonsense.
Genome position (GRCh38, 1-based): chr15:92,944,458, C>T. VCF-style: chr15-92944458-C-T. GRCh37 (hg19) VCF-style: chr15-93487688-C-T.
Other names: c.1096C>T, p.Gln366Ter (NM_001042572.3); short protein forms Q366*.
Identifiers: ClinVar variation 992838 (VCV000992838.4), dbSNP rs2505451976, ClinGen allele CA393903024.